The following is an entry in ClinVar:

NM_018089.3(ANKZF1):c.2135G>A (p.Arg712His)

Gene: ANKZF1 (ankyrin repeat and zinc finger peptidyl tRNA hydrolase 1; plus strand). Cytogenetic location: 2q35.
Variant type: single nucleotide variant.
Coding change: c.2135G>A on transcript NM_018089.3 (MANE Select); coding-DNA position 2135, G replaced by A.
Protein change: p.Arg712His; replaces arginine 712 with histidine.
Molecular consequence: missense variant.
Genome position (GRCh38, 1-based): chr2:219,236,399, G>A. VCF-style: chr2-219236399-G-A. GRCh37 (hg19) VCF-style: chr2-220101121-G-A.
Other names: c.2135G>A, p.Arg712His (NM_001042410.2); c.1505G>A, p.Arg502His (NM_001282792.2); short protein forms R502H, R712H.
Identifiers: ClinVar variation 2781234 (VCV002781234.3), dbSNP rs781354105, ClinGen allele CA350689662.
Genomic context (GRCh38, chr2:219,236,399, plus strand): 5'-GGGCATCCCTCCAAGGCCTGACTCCCTTTCACTACCTCGACTTCTCTTTCTGCTCCACAC[G>A]TTGCCTCCAGGATCATCGCCGTCAGGCAGGGAGGCCCTCTTCCTGATCTCTTACAGCTCT-3'
Protein context (NP_060559.2, residues 702-722): HYLDFSFCST[Arg712His]CLQDHRRQAG

ClinVar aggregate classification (germline): Uncertain significance (1 of 4 stars; one submission).

gnomAD v4.1: 4 of 1,613,402 alleles (0.00025%); highest among the groups gnomAD compares: Admixed American, 0.0017%; no homozygotes.

Submission:

Labcorp Genetics (formerly Invitae), Labcorp
Classification: Uncertain significance. Last evaluated: 2024-12-20. Review status: criteria provided, single submitter. Criteria: Invitae Variant Classification Sherloc (09022015). Collection method: clinical testing. Allele origin: germline.
Comment: This sequence change replaces arginine, which is basic and polar, with histidine, which is basic and polar, at codon 712 of the ANKZF1 protein (p.Arg712His). This variant is present in population databases (no rsID available, gnomAD 0.003%). This variant has not been reported in the literature in individuals affected with ANKZF1-related conditions. ClinVar contains an entry for this variant (Variation ID: 2781234). An algorithm developed to predict the effect of missense changes on protein structure and function outputs the following: PolyPhen-2: "Benign". The histidine amino acid residue is found in multiple mammalian species, which suggests that this missense change does not adversely affect protein function. In summary, the available evidence is currently insufficient to determine the role of this variant in disease. Therefore, it has been classified as a Variant of Uncertain Significance.